The following is an entry in ClinVar:

ClinVar aggregate classification (germline): Uncertain significance (1 of 4 stars; one submission).

Conditions:
Hereditary cancer-predisposing syndrome. Also called: Neoplastic Syndromes, Hereditary; Tumor predisposition; Hereditary Cancer Syndrome; Hereditary neoplastic syndrome. Identifiers: Orphanet 140162, MedGen C0027672, MeSH D009386, MONDO:0015356.

Submission:

Ambry Genetics
Classification: Uncertain significance for Hereditary cancer-predisposing syndrome. Last evaluated: 2026-04-19. Review status: criteria provided, single submitter. Criteria: Ambry Variant Classification Scheme 2023. Collection method: clinical testing. Allele origin: germline.
Comment: The p.F186S variant (also known as c.557T>C), located in coding exon 2 of the MEN1 gene, results from a T to C substitution at nucleotide position 557. The phenylalanine at codon 186 is replaced by serine, an amino acid with highly dissimilar properties. This amino acid position is conserved. In addition, this alteration is predicted to be deleterious by in silico analysis. Based on the available evidence, the clinical significance of this variant remains unclear.

NM_001370259.2(MEN1):c.557T>C (p.Phe186Ser)

Gene: MEN1 (menin 1; minus strand). Cytogenetic location: 11q13.1.
Variant type: single nucleotide variant.
Coding change: c.557T>C on transcript NM_001370259.2 (MANE Select); coding-DNA position 557, T replaced by C.
Protein change: p.Phe186Ser; replaces phenylalanine 186 with serine.
Molecular consequence: missense variant. On other transcripts: non-coding transcript variant (4), intron variant (5).
Genome position (GRCh38, 1-based): chr11:64,807,988, A>G on the plus strand (T>C on the coding strand, the complement: MEN1 is on the minus strand). VCF-style: chr11-64807988-A-G. GRCh37 (hg19) VCF-style: chr11-64575460-A-G.
Other names: c.572T>C, p.Phe191Ser (NM_000244.4, NM_001407145.1, NM_001407150.1 and 5 more transcripts); c.557T>C, p.Phe186Ser (NM_001370251.2, NM_001370260.2, NM_001370261.2 and 7 more transcripts); c.549+8T>C (NM_001407148.1, NM_001407149.1, NM_001407151.1 and 2 more transcripts); short protein forms F186S, F191S.
Identifiers: ClinVar variation 4859903 (VCV004859903.1).